The following is an entry in ClinVar:

NM_014208.3(DSPP):c.1847G>A (p.Ser616Asn)

Genes: DMP1-AS1 (DMP1 and DSPP antisense RNA 1; minus strand), DSPP (dentin sialophosphoprotein; plus strand). Cytogenetic location: 4q22.1.
Variant type: single nucleotide variant.
Coding change: c.1847G>A on transcript NM_014208.3 (MANE Select); coding-DNA position 1847, G replaced by A.
Protein change: p.Ser616Asn; replaces serine 616 with asparagine.
Molecular consequence: missense variant.
Genome position (GRCh38, 1-based): chr4:87,614,509, G>A. VCF-style: chr4-87614509-G-A. GRCh37 (hg19) VCF-style: chr4-88535661-G-A.
Other names: short protein forms S616N.
Identifiers: ClinVar variation 1031808 (VCV001031808.2), dbSNP rs375994683, ClinGen allele CA3001164.
Genomic context (GRCh38, chr4:87,614,509, plus strand): 5'-GTGATAGCAGCAATAGCAGTGACAGTAGTGACAGCAGTGATAGCAGTGACAGTAGTGATA[G>A]TAGTGACAGCAGTGACAGCAAGTCAGACAGCAGCAAATCAGAGAGCGACAGCAGTGATAG-3'
Protein context (NP_055023.2, residues 606-626): DSSDSSDSSD[Ser616Asn]SDSSDSKSDS

ClinVar aggregate classification (germline): Conflicting classifications of pathogenicity. Review status: criteria provided, conflicting classifications (1 of 4 stars). 2 submissions from 2 submitters: Uncertain significance (1); Likely benign (1). Last evaluated 2025-01-28.

Conditions:
DSPP-related disorder. Also called: DSPP-related condition.
Deafness, autosomal dominant 39, with dentinogenesis imperfecta 1. Also called: DFNA39/DENTINOGENESIS IMPERFECTA 1 SYNDROME; DFNA39/DGI1 SYNDROME; DGI1/DFNA39 SYNDROME. Identifiers: Orphanet 166260, MedGen C1854146, MONDO:0011571, OMIM 605594.

Allele frequency attached by ClinVar (database versions not stated): gnomAD exomes 0.00002 and 0.00003; ESP Exome Variant Server 0.00009; ExAC 0.00010; TOPMed 0.00011; gnomAD 0.00015 and 0.00016; 1000 Genomes Project 30x 0.00016; 1000 Genomes Project 0.00020.

Submissions (2):

PreventionGenetics, part of Exact Sciences
Classification: Likely benign for DSPP-related condition. Last evaluated: 2025-01-28. Review status: criteria provided, single submitter. Criteria: ACMG Guidelines, 2015. Collection method: clinical testing. Allele origin: germline.
Comment: This variant is classified as likely benign based on ACMG/AMP sequence variant interpretation guidelines (Richards et al. 2015 PMID: 25741868, with internal and published modifications).

Baylor Genetics
Classification: Uncertain significance for Deafness, autosomal dominant 39, with dentinogenesis imperfecta 1. Last evaluated: 2018-01-30. Review status: criteria provided, single submitter. Criteria: ACMG Guidelines, 2015. Collection method: clinical testing. Allele origin: maternal. Affected: yes.
Comment: This variant was determined to be of uncertain significance according to ACMG Guidelines, 2015 [PMID:25741868].